The following is an entry in ClinVar:

NM_014244.5(ADAMTS2):c.2730A>G (p.Pro910=)

Gene: ADAMTS2 (ADAM metallopeptidase with thrombospondin type 1 motif 2; minus strand). Cytogenetic location: 5q35.3.
Variant type: single nucleotide variant.
Coding change: c.2730A>G on transcript NM_014244.5 (MANE Select); coding-DNA position 2730, A replaced by G.
Protein change: p.Pro910=; no amino-acid change (proline 910 retained).
Molecular consequence: synonymous variant.
Genome position (GRCh38, 1-based): chr5:179,126,018, T>C on the plus strand (A>G on the coding strand, the complement: ADAMTS2 is on the minus strand). VCF-style: chr5-179126018-T-C. GRCh37 (hg19) VCF-style: chr5-178553019-T-C.
Other names: p.Pro910=.
Identifiers: ClinVar variation 353100 (VCV000353100.20), dbSNP rs6869261, ClinGen allele CA3595451.

ClinVar aggregate classification (germline): Benign. Review status: criteria provided, multiple submitters, no conflicts (2 of 4 stars). 7 submissions from 7 submitters: Benign (6). 1 of the submissions does not count toward it. Last evaluated 2026-02-02.

Conditions:
Ehlers-Danlos syndrome, dermatosparaxis type. Also called: EDS VIIC; Dermatosparaxis; Ehlers-Danlos syndrome, type VII, autosomal recessive. Identifiers: Orphanet 1901, MedGen C2700425, MONDO:0009161, OMIM 225410.
Ehlers-Danlos syndrome (EDS). Identifiers: Orphanet 98249, MedGen C0013720, MONDO:0020066.

Allele frequency attached by ClinVar (database versions not stated): gnomAD 0.03693 and 0.03924; TOPMed 0.04110; 1000 Genomes Project 0.04133; ESP Exome Variant Server 0.04336; 1000 Genomes Project 30x 0.04419.
gnomAD v4.1: 11,092 of 1,613,404 alleles (0.69%); highest among the groups gnomAD compares: African/African-American, 13%; 684 homozygotes.

Submissions (7):

Labcorp Genetics (formerly Invitae), Labcorp
Classification: Benign for Ehlers-Danlos syndrome, dermatosparaxis type. Last evaluated: 2026-02-02. Review status: criteria provided, single submitter. Criteria: Invitae Variant Classification Sherloc (09022015). Collection method: clinical testing. Allele origin: germline.

Genome Diagnostics Laboratory, The Hospital for Sick Children
Classification: Benign for Ehlers-Danlos syndrome. Last evaluated: 2021-04-12. Review status: criteria provided, single submitter. Criteria: ACMG Guidelines, 2015. Collection method: clinical testing. Allele origin: germline.

Women's Health and Genetics/Laboratory Corporation of America, LabCorp
Classification: Benign. Last evaluated: 2020-03-28. Review status: criteria provided, single submitter. Criteria: LabCorp Variant Classification Summary - May 2015. Collection method: clinical testing. Allele origin: germline.

Mayo Clinic Laboratories, Mayo Clinic
Classification: Benign. Last evaluated: 2019-08-01. Review status: criteria provided, single submitter. Criteria: ACMG Guidelines, 2015. Collection method: clinical testing. Allele origin: germline. Observed: 43 variant alleles.

Illumina Laboratory Services, Illumina
Classification: Benign for Ehlers-Danlos syndrome, dermatosparaxis type. Last evaluated: 2018-01-13. Review status: criteria provided, single submitter. Criteria: ICSL Variant Classification Criteria 13 December 2019. Collection method: clinical testing. Allele origin: germline.
Comment: This variant was observed in the ICSL laboratory as part of a predisposition screen in an ostensibly healthy population. It had not been previously curated by ICSL or reported in the Human Gene Mutation Database (HGMD: prior to June 1st, 2018), and was therefore a candidate for classification through an automated scoring system. Utilizing variant allele frequency, disease prevalence and penetrance estimates, and inheritance mode, an automated score was calculated to assess if this variant is too frequent to cause the disease. Based on the score and internal cut-off values, a variant classified as benign is not then subjected to further curation. The score for this variant resulted in a classification of benign for this disease.

GeneDx
Classification: Benign. Last evaluated: 2016-10-14. Review status: criteria provided, single submitter. Criteria: GeneDx Variant Classification (06012015). Collection method: clinical testing. Allele origin: germline. Affected: yes.
Comment: This variant is considered likely benign or benign based on one or more of the following criteria: it is a conservative change, it occurs at a poorly conserved position in the protein, it is predicted to be benign by multiple in silico algorithms, and/or has population frequency not consistent with disease.

Natera, Inc.
Classification: Benign for Ehlers-Danlos syndrome type VIIC. Last evaluated: 2020-09-16. Review status: no assertion criteria provided. Collection method: clinical testing. Allele origin: germline. Not counted in ClinVar's aggregate classification.